The following is an entry in ClinVar:

ClinVar aggregate classification (germline): Uncertain significance. Review status: criteria provided, multiple submitters, no conflicts (2 of 4 stars). 2 submissions from 2 submitters: Uncertain significance (2). Last evaluated 2025-06-03.

gnomAD v4.1: 90 of 1,611,990 alleles (0.0056%); highest among the groups gnomAD compares: Middle Eastern, 0.023%; no homozygotes.

Submissions (2):

Women's Health and Genetics/Laboratory Corporation of America, LabCorp
Classification: Uncertain significance. Last evaluated: 2025-06-03. Review status: criteria provided, single submitter. Criteria: LabCorp Variant Classification Summary - May 2015. Collection method: clinical testing. Allele origin: germline.
Comment: Variant summary: HERC2 c.6137C>T (p.Pro2046Leu) results in a non-conservative amino acid change in the encoded protein sequence. Algorithms developed to predict the effect of missense changes on protein structure and function are either unavailable or do not agree on the potential impact of this missense change. The variant allele was found at a frequency of 6.8e-05 in 250360 control chromosomes. This frequency is not significantly higher than estimated for a pathogenic variant in HERC2 causing Intellectual Developmental Disorder, Autosomal Recessive 38, allowing no conclusion about variant significance. To our knowledge, no occurrence of c.6137C>T in individuals affected with Intellectual Developmental Disorder, Autosomal Recessive 38 and no experimental evidence demonstrating its impact on protein function have been reported. ClinVar contains an entry for this variant (Variation ID: 3773948). Based on the evidence outlined above, the variant was classified as uncertain significance.

GeneDx
Classification: Uncertain significance. Last evaluated: 2025-05-31. Review status: criteria provided, single submitter. Criteria: GeneDx Variant Classification Process June 2021. Collection method: clinical testing. Allele origin: germline.
Comment: In silico analysis supports that this missense variant has a deleterious effect on protein structure/function; Has not been previously published as pathogenic or benign to our knowledge

NM_004667.6(HERC2):c.6137C>T (p.Pro2046Leu)

Gene: HERC2 (HECT and RLD domain containing E3 ubiquitin protein ligase 2; minus strand). Cytogenetic location: 15q13.1.
Variant type: single nucleotide variant.
Coding change: c.6137C>T on transcript NM_004667.6 (MANE Select); coding-DNA position 6137, C replaced by T.
Protein change: p.Pro2046Leu; replaces proline 2046 with leucine.
Molecular consequence: missense variant.
Genome position (GRCh38, 1-based): chr15:28,215,694, G>A on the plus strand (C>T on the coding strand, the complement: HERC2 is on the minus strand). VCF-style: chr15-28215694-G-A. GRCh37 (hg19) VCF-style: chr15-28460840-G-A.
Other names: short protein forms P2046L.
Identifiers: ClinVar variation 3773948 (VCV003773948.3).